The following is an entry in ClinVar:

ClinVar aggregate classification (germline): Uncertain significance (1 of 4 stars; one submission).

Submission:

Labcorp Genetics (formerly Invitae), Labcorp
Classification: Uncertain significance. Last evaluated: 2022-10-17. Review status: criteria provided, single submitter. Criteria: Invitae Variant Classification Sherloc (09022015). Collection method: clinical testing. Allele origin: germline.
Comment: ClinVar contains an entry for this variant (Variation ID: 1394779). Algorithms developed to predict the effect of missense changes on protein structure and function (SIFT, PolyPhen-2, Align-GVGD) all suggest that this variant is likely to be disruptive. In summary, the available evidence is currently insufficient to determine the role of this variant in disease. Therefore, it has been classified as a Variant of Uncertain Significance. This variant has not been reported in the literature in individuals affected with MPDZ-related conditions. This sequence change replaces isoleucine, which is neutral and non-polar, with valine, which is neutral and non-polar, at codon 305 of the MPDZ protein (p.Ile305Val). This variant is not present in population databases (gnomAD no frequency).

NM_001378778.1(MPDZ):c.913A>G (p.Ile305Val)

Gene: MPDZ (multiple PDZ domain crumbs cell polarity complex component; minus strand). Cytogenetic location: 9p23.
Variant type: single nucleotide variant.
Coding change: c.913A>G on transcript NM_001378778.1 (MANE Select); coding-DNA position 913, A replaced by G.
Protein change: p.Ile305Val; replaces isoleucine 305 with valine.
Molecular consequence: missense variant.
Genome position (GRCh38, 1-based): chr9:13,219,732, T>C on the plus strand (A>G on the coding strand, the complement: MPDZ is on the minus strand). VCF-style: chr9-13219732-T-C. GRCh37 (hg19) VCF-style: chr9-13219731-T-C.
Other names: c.913A>G, p.Ile305Val (NM_001261406.2, NM_001261407.2, NM_001330637.2 and 14 more transcripts); short protein forms I305V.
Identifiers: ClinVar variation 1394779 (VCV001394779.6), dbSNP rs758946432, ClinGen allele CA372945822.
Genomic context (GRCh38, chr9:13,219,732, plus strand): 5'-ATTGCCTAAGGACTTGTGCTACTTGCTCACTGCTCATTCCTGCTAGATCTGTGTCACCAA[T>C]CTTTAGAATGTGGTCTCCACTGCATAAACGCCCATGCTGAGTAAAACAATATTGAATAAT-3'
Protein context (NP_001365707.1, residues 295-315): RLCSGDHILK[Ile305Val]GDTDLAGMSS